The following is an entry in ClinVar:

ClinVar aggregate classification (germline): Uncertain significance. Review status: criteria provided, multiple submitters, no conflicts (2 of 4 stars). 2 submissions from 2 submitters: Uncertain significance (2). Last evaluated 2025-12-17.

Conditions:
Tay-Sachs disease (TSD). Also called: HEXA DEFICIENCY; GM2 gangliosidosis, type 1; Hexosaminidase alpha-subunit deficiency (variant B); Sphingolipidosis, Tay-Sachs; Hexosaminidase A Deficiency; HEXA Disorders. Identifiers: Orphanet 845, MedGen C0039373, MONDO:0010100, OMIM 272800.

Allele frequency attached by ClinVar (database versions not stated): gnomAD exomes below 0.00001 and 0.00001; ExAC 0.00001.
gnomAD v4.1: 3 of 1,614,114 alleles (0.00019%); highest among the groups gnomAD compares: East Asian, 0.0022%; no homozygotes.

Submissions (2):

Women's Health and Genetics/Laboratory Corporation of America, LabCorp
Classification: Uncertain significance. Last evaluated: 2025-12-17. Review status: criteria provided, single submitter. Criteria: LabCorp Variant Classification Summary - May 2015. Collection method: clinical testing. Allele origin: germline.
Comment: Variant summary: HEXA c.1424C>G (p.Pro475Arg) results in a non-conservative amino acid change in the encoded protein sequence. Algorithms developed to predict the effect of missense changes on protein structure and function all suggest that this variant is likely to be disruptive. Consensus agreement among computation tools predict no significant impact on normal splicing. However, these predictions have yet to be confirmed by functional studies. The variant allele was found at a frequency of 4e-06 in 251296 control chromosomes. c.1424C>G has been observed in individual(s) affected with Tay-Sachs Disease (Mistri_2019). These data indicate that the variant may be associated with disease. To our knowledge, no experimental evidence demonstrating an impact on protein function has been reported. The following publication have been ascertained in the context of this evaluation (PMID: 31388111). ClinVar contains an entry for this variant (Variation ID: 1496248). Based on the evidence outlined above, the variant was classified as VUS-possibly pathogenic.

Labcorp Genetics (formerly Invitae), Labcorp
Classification: Uncertain significance for Tay-Sachs disease. Last evaluated: 2022-08-19. Review status: criteria provided, single submitter. Criteria: Invitae Variant Classification Sherloc (09022015). Collection method: clinical testing. Allele origin: germline.
Comment: This sequence change replaces proline, which is neutral and non-polar, with arginine, which is basic and polar, at codon 475 of the HEXA protein (p.Pro475Arg). This variant is present in population databases (rs758829206, gnomAD 0.003%). This missense change has been observed in individual(s) with Tay-Sachs disease (PMID: 31388111). ClinVar contains an entry for this variant (Variation ID: 1496248). Algorithms developed to predict the effect of missense changes on protein structure and function are either unavailable or do not agree on the potential impact of this missense change (SIFT: "Deleterious"; PolyPhen-2: "Probably Damaging"; Align-GVGD: "Class C0"). In summary, the available evidence is currently insufficient to determine the role of this variant in disease. Therefore, it has been classified as a Variant of Uncertain Significance.

Literature cited by the submitters: PubMed 31388111 (cited by Women's Health and Genetics/Laboratory Corporation of America, LabCorp and Labcorp Genetics (formerly Invitae), Labcorp).

NM_000520.6(HEXA):c.1424C>G (p.Pro475Arg)

Gene: HEXA (hexosaminidase subunit alpha; minus strand). Cytogenetic location: 15q23.
Variant type: single nucleotide variant.
Coding change: c.1424C>G on transcript NM_000520.6 (MANE Select); coding-DNA position 1424, C replaced by G.
Protein change: p.Pro475Arg; replaces proline 475 with arginine.
Molecular consequence: missense variant. On other transcripts: non-coding transcript variant (1).
Genome position (GRCh38, 1-based): chr15:72,345,548, G>C on the plus strand (C>G on the coding strand, the complement: HEXA is on the minus strand). VCF-style: chr15-72345548-G-C. GRCh37 (hg19) VCF-style: chr15-72637889-G-C.
Other names: c.1457C>G, p.Pro486Arg (NM_001318825.2); short protein forms P475R, P486R.
Identifiers: ClinVar variation 1496248 (VCV001496248.4), dbSNP rs758829206, ClinGen allele CA7644677.